The following is an entry in ClinVar:

NM_201596.3(CACNB2):c.214-836T>C

Gene: CACNB2 (calcium voltage-gated channel auxiliary subunit beta 2; plus strand). Cytogenetic location: 10p12.31.
Variant type: single nucleotide variant.
Coding change: c.214-836T>C on transcript NM_201596.3 (MANE Select); 836 bases into the intron before coding-DNA position 214, T replaced by C.
Molecular consequence: intron variant. On other transcripts: synonymous variant (2).
Genome position (GRCh38, 1-based): chr10:18,401,088, T>C. VCF-style: chr10-18401088-T-C. GRCh37 (hg19) VCF-style: chr10-18690017-T-C.
Other names: c.57T>C, p.Asn19= (NM_001410882.1, NM_201570.3); c.130-836T>C (NM_201571.4, NM_001167945.2, NM_201572.4); c.214-836T>C (NM_201593.3, NM_201597.3); c.49-836T>C (NM_000724.4, NM_001330060.2); c.52-836T>C (NM_201590.3).
Identifiers: ClinVar variation 4990277 (VCV004990277.1).

ClinVar aggregate classification (germline): Likely benign (1 of 4 stars; one submission).

Conditions:
CACNB2-related disorder. Also called: CACNB2-related condition.

gnomAD v4.1: 118 of 1,614,154 alleles (0.0073%); highest among the groups gnomAD compares: Admixed American, 0.11%; no homozygotes.

Submission:

PreventionGenetics, part of Exact Sciences
Classification: Likely benign for CACNB2-related condition. Last evaluated: 2026-08-11. Review status: criteria provided, single submitter. Criteria: ACMG Guidelines, 2015. Collection method: clinical testing. Allele origin: germline.
Comment: This variant is classified as likely benign based on ACMG/AMP sequence variant interpretation guidelines (Richards et al. 2015 PMID: 25741868, with internal and published modifications).